The following is an entry in ClinVar:

ClinVar aggregate classification (germline): Likely benign (0 of 4 stars; one submission).

Conditions:
PLXNA1-related disorder. Also called: PLXNA1-related condition.

gnomAD v4.1: 15 of 1,613,178 alleles (0.00093%); highest among the groups gnomAD compares: East Asian, 0.0045%; no homozygotes.

Submission:

PreventionGenetics, part of Exact Sciences
Classification: Likely benign for PLXNA1-related condition. Last evaluated: 2024-09-20. Review status: no assertion criteria provided. Collection method: clinical testing. Allele origin: germline.
Comment: This variant is classified as likely benign based on ACMG/AMP sequence variant interpretation guidelines (Richards et al. 2015 PMID: 25741868, with internal and published modifications).

NM_032242.4(PLXNA1):c.5460C>T (p.Ile1820=)

Gene: PLXNA1 (plexin A1; plus strand). Cytogenetic location: 3q21.3.
Variant type: single nucleotide variant.
Coding change: c.5460C>T on transcript NM_032242.4 (MANE Select); coding-DNA position 5460, C replaced by T.
Protein change: p.Ile1820=; no amino-acid change (isoleucine 1820 retained).
Molecular consequence: synonymous variant.
Genome position (GRCh38, 1-based): chr3:127,032,701, C>T. VCF-style: chr3-127032701-C-T. GRCh37 (hg19) VCF-style: chr3-126751544-C-T.
Identifiers: ClinVar variation 3346709 (VCV003346709.1).
Genomic context (GRCh38, chr3:127,032,701, plus strand): 5'-CAGCCTGGACTCTGCTCATGTGCCCACCTGGCCACTCACCTGCAGGTACTATGCAGACAT[C>T]GCCAAGATGCCAGCCATCAGCGACCAGGACATGAGTGCGTATCTGGCTGAGCAGTCCCGC-3'
Protein context (NP_115618.3, residues 1810-1830): KSWVERYYAD[Ile1820=]AKMPAISDQD